The following is an entry in ClinVar:

NM_001330288.2(SMARCC2):c.1406T>C (p.Met469Thr)

Gene: SMARCC2 (SWI/SNF related BAF chromatin remodeling complex subunit C2; minus strand). Cytogenetic location: 12q13.2.
Variant type: single nucleotide variant.
Coding change: c.1406T>C on transcript NM_001330288.2 (MANE Select); coding-DNA position 1406, T replaced by C.
Protein change: p.Met469Thr; replaces methionine 469 with threonine.
Molecular consequence: missense variant.
Genome position (GRCh38, 1-based): chr12:56,174,741, A>G on the plus strand (T>C on the coding strand, the complement: SMARCC2 is on the minus strand). VCF-style: chr12-56174741-A-G. GRCh37 (hg19) VCF-style: chr12-56568525-A-G.
Other names: c.1406T>C, p.Met469Thr (NM_001130420.3, NM_003075.5, NM_139067.4); short protein forms M469T.
Identifiers: ClinVar variation 3602280 (VCV003602280.1).
Genomic context (GRCh38, chr12:56,174,741, plus strand): 5'-TTTCGGCGGCAGGCGGTAGAGGTAAGATACTCTTGGGGGTTCAGTCGGTAAGTGTCAATC[A>G]TAAAGTTTCGATAGGCCAGGTAGCTTAGAAGAAAGAGAGAGAGAAACAAGAAGAAGAAAA-3'
Protein context (NP_001317217.1, residues 459-479): PEIYLAYRNF[Met469Thr]IDTYRLNPQE

ClinVar aggregate classification (germline): Uncertain significance (1 of 4 stars; one submission).

Submission:

GeneDx
Classification: Uncertain significance. Last evaluated: 2024-08-02. Review status: criteria provided, single submitter. Criteria: GeneDx Variant Classification Process June 2021. Collection method: clinical testing. Allele origin: germline. Affected: yes.
Comment: Not observed at significant frequency in large population cohorts (gnomAD); In silico analysis supports that this missense variant has a deleterious effect on protein structure/function; Has not been previously published as pathogenic or benign to our knowledge